The following is an entry in ClinVar:

ClinVar aggregate classification (germline): Uncertain significance (1 of 4 stars; one submission).

Conditions:
MHC class I deficiency. Identifiers: Orphanet 34592, MedGen C6024714, MONDO:0011476.

gnomAD v4.1: 21 of 1,612,188 alleles (0.0013%); highest among the groups gnomAD compares: African/African-American, 0.0053%; no homozygotes.

Submission:

Labcorp Genetics (formerly Invitae), Labcorp
Classification: Uncertain significance for MHC class I deficiency 1. Last evaluated: 2025-09-01. Review status: criteria provided, single submitter. Criteria: Invitae Variant Classification Sherloc (09022015). Collection method: clinical testing. Allele origin: germline.
Comment: This sequence change affects codon 69 of the TAPBP mRNA. It is a 'silent' change, meaning that it does not change the encoded amino acid sequence of the TAPBP protein. It affects a nucleotide within the consensus splice site. This variant is present in population databases (no rsID available, gnomAD 0.01%). This variant has not been reported in the literature in individuals affected with TAPBP-related conditions. Algorithms developed to predict the effect of sequence changes on RNA splicing suggest that this variant is not likely to affect RNA splicing. In summary, the available evidence is currently insufficient to determine the role of this variant in disease. Therefore, it has been classified as a Variant of Uncertain Significance.

NM_003190.5(TAPBP):c.207C>T (p.His69=)

Gene: TAPBP (TAP binding protein; minus strand). Cytogenetic location: 6p21.32.
Variant type: single nucleotide variant.
Coding change: c.207C>T on transcript NM_003190.5 (MANE Select); coding-DNA position 207, C replaced by T.
Protein change: p.His69=; no amino-acid change (histidine 69 retained).
Molecular consequence: synonymous variant.
Genome position (GRCh38, 1-based): chr6:33,313,695, G>A on the plus strand (C>T on the coding strand, the complement: TAPBP is on the minus strand). VCF-style: chr6-33313695-G-A. GRCh37 (hg19) VCF-style: chr6-33281472-G-A.
Other names: c.207C>T, p.His69= (NM_001410875.1, NM_172208.3, NM_172209.3).
Identifiers: ClinVar variation 4738354 (VCV004738354.1).